The following is an entry in ClinVar:

NM_001256545.2(MEGF10):c.2105-103C>T

Gene: MEGF10 (multiple EGF like domains 10; plus strand). Cytogenetic location: 5q23.2.
Variant type: single nucleotide variant.
Coding change: c.2105-103C>T on transcript NM_001256545.2 (MANE Select); 103 bases into the intron before coding-DNA position 2105, C replaced by T.
Molecular consequence: intron variant.
Genome position (GRCh38, 1-based): chr5:127,438,336, C>T. VCF-style: chr5-127438336-C-T. GRCh37 (hg19) VCF-style: chr5-126774028-C-T.
Other names: c.2105-103C>T (NM_032446.3).
Identifiers: ClinVar variation 672412 (VCV000672412.2), dbSNP rs76148405, ClinGen allele CA126962041.

ClinVar aggregate classification (germline): Likely benign. Review status: criteria provided, multiple submitters, no conflicts (2 of 4 stars). 2 submissions from 2 submitters: Likely benign (2). Last evaluated 2018-06-16.

Allele frequency attached by ClinVar (database versions not stated): TOPMed 0.01619; gnomAD 0.01704 and 0.01935; gnomAD exomes 0.02177; 1000 Genomes Project 30x 0.03310; 1000 Genomes Project 0.03474.
gnomAD v4.1: 28,924 of 1,335,658 alleles (2.2%); highest among the groups gnomAD compares: South Asian, 6.6%; 529 homozygotes.

Submissions (2):

GeneDx
Classification: Likely benign. Last evaluated: 2018-06-16. Review status: criteria provided, single submitter. Criteria: GeneDx Variant Classification (06012015). Collection method: clinical testing. Allele origin: germline. Affected: yes.
Comment: This variant is considered likely benign or benign based on one or more of the following criteria: it is a conservative change, it occurs at a poorly conserved position in the protein, it is predicted to be benign by multiple in silico algorithms, and/or has population frequency not consistent with disease.

Breakthrough Genomics
Classification: Likely benign. Review status: criteria provided, single submitter. Criteria: ACMG Guidelines, 2015. Collection method: not provided. Allele origin: germline. Inheritance: Autosomal recessive inheritance. Affected: yes.